The following is an entry in ClinVar:

ClinVar aggregate classification (germline): Likely benign. Review status: criteria provided, single submitter (1 of 4 stars). 2 submissions from 2 submitters: Likely benign (1). 1 of the submissions does not count toward it. Last evaluated 2023-05-11.

Conditions:
KIDINS220-related disorder. Also called: KIDINS220-related condition.

Allele frequency attached by ClinVar (database versions not stated): TOPMed below 0.00001; gnomAD 0.00001.

Submissions (2):

Labcorp Genetics (formerly Invitae), Labcorp
Classification: Likely benign. Last evaluated: 2023-05-11. Review status: criteria provided, single submitter. Criteria: Invitae Variant Classification Sherloc (09022015). Collection method: clinical testing. Allele origin: germline.

PreventionGenetics, part of Exact Sciences
Classification: Likely benign for KIDINS220-related condition. Last evaluated: 2021-07-03. Review status: no assertion criteria provided. Collection method: clinical testing. Allele origin: germline. Not counted in ClinVar's aggregate classification.
Comment: This variant is classified as likely benign based on ACMG/AMP sequence variant interpretation guidelines (Richards et al. 2015 PMID: 25741868, with internal and published modifications).

NM_020738.4(KIDINS220):c.3732C>T (p.Gly1244=)

Gene: KIDINS220 (kinase D interacting substrate 220; minus strand). Cytogenetic location: 2p25.1.
Variant type: single nucleotide variant.
Coding change: c.3732C>T on transcript NM_020738.4 (MANE Select); coding-DNA position 3732, C replaced by T.
Protein change: p.Gly1244=; no amino-acid change (glycine 1244 retained).
Molecular consequence: synonymous variant. On other transcripts: non-coding transcript variant (2).
Genome position (GRCh38, 1-based): chr2:8,734,739, G>A on the plus strand (C>T on the coding strand, the complement: KIDINS220 is on the minus strand). VCF-style: chr2-8734739-G-A. GRCh37 (hg19) VCF-style: chr2-8874869-G-A.
Other names: c.3732C>T (NM_020738.2); c.3735C>T, p.Gly1245= (NM_001348729.2); c.3678C>T, p.Gly1226= (NM_001348731.2); c.3675C>T, p.Gly1225= (NM_001348732.2, NM_001348738.2); c.3564C>T, p.Gly1188= (NM_001348734.2, NM_001348739.2, NM_001348740.2); c.3561C>T, p.Gly1187= (NM_001348735.2, NM_001348741.2, NM_001348742.2 and 1 more transcripts); c.3435C>T, p.Gly1145= (NM_001348736.2).
Identifiers: ClinVar variation 3015315 (VCV003015315.4), dbSNP rs1217781984, ClinGen allele CA424776941.